The following is an entry in ClinVar:

ClinVar aggregate classification (germline): Uncertain significance (1 of 4 stars; one submission).

Conditions:
Cardiovascular phenotype. Identifiers: MedGen CN230736.

Allele frequency attached by ClinVar (database versions not stated): gnomAD 0.00001; TOPMed 0.00001.
gnomAD v4.1: 3 of 1,613,262 alleles (0.00019%); highest among the groups gnomAD compares: East Asian, 0.0022%; no homozygotes.

Submission:

Ambry Genetics
Classification: Uncertain significance for Cardiovascular phenotype. Last evaluated: 2019-07-29. Review status: criteria provided, single submitter. Criteria: Ambry Variant Classification Scheme 2023. Collection method: clinical testing. Allele origin: germline.
Comment: The p.A10665V variant (also known as c.31994C>T), located in coding exon 127 of the TTN gene, results from a C to T substitution at nucleotide position 31994. The alanine at codon 10665 is replaced by valine, an amino acid with similar properties. This amino acid position is highly conserved in available vertebrate species. In addition, this alteration is predicted to be tolerated by in silico analysis. Since supporting evidence is limited at this time, the clinical significance of this alteration remains unclear.

NM_001267550.2(TTN):c.59189C>T (p.Ala19730Val)

Genes: TTN (titin; minus strand), TTN-AS1 (TTN antisense RNA 1; plus strand). Cytogenetic location: 2q31.2.
Variant type: single nucleotide variant.
Coding change: c.59189C>T on transcript NM_001267550.2 (MANE Select); coding-DNA position 59189, C replaced by T.
Protein change: p.Ala19730Val; replaces alanine 19730 with valine.
Molecular consequence: missense variant.
Genome position (GRCh38, 1-based): chr2:178,592,930, G>A on the plus strand (C>T on the coding strand, the complement: TTN is on the minus strand). VCF-style: chr2-178592930-G-A. GRCh37 (hg19) VCF-style: chr2-179457657-G-A.
Other names: c.54266C>T, p.Ala18089Val (NM_001256850.1); c.31994C>T, p.Ala10665Val (NM_003319.4); c.51485C>T, p.Ala17162Val (NM_133378.4); c.32369C>T, p.Ala10790Val (NM_133432.3); c.32570C>T, p.Ala10857Val (NM_133437.4); short protein forms A10665V, A10790V, A10857V, A17162V, A18089V, A19730V.
Identifiers: ClinVar variation 1728745 (VCV001728745.2), dbSNP rs1471424037, ClinGen allele CA349495268.